The following is an entry in ClinVar:

ClinVar aggregate classification (germline): Benign/Likely benign. Review status: criteria provided, multiple submitters, no conflicts (2 of 4 stars). 4 submissions from 4 submitters: Benign (1); Likely benign (3). Last evaluated 2025-06-09.

Conditions:
Short-rib thoracic dysplasia 10 with or without polydactyly (SRTD10). Identifiers: Orphanet 474, MedGen C3810175, MONDO:0014284, OMIM 615630.
Retinitis pigmentosa 71 (RP71). Identifiers: Orphanet 791, MedGen C4225342, MONDO:0014618, OMIM 616394.
Bardet-Biedl syndrome 20. Identifiers: MedGen C4310707, MONDO:0023670, OMIM 619471, MONDO:0014926.
IFT172-related disorder. Also called: IFT172-related disorders; IFT172-related condition.

Allele frequency attached by ClinVar (database versions not stated): gnomAD 0.00001 and 0.00007; TOPMed 0.00001; gnomAD exomes 0.00006 and 0.00013; ExAC 0.00016; 1000 Genomes Project 30x 0.00078; 1000 Genomes Project 0.00080.
gnomAD v4.1: 104 of 1,614,178 alleles (0.0064%); highest among the groups gnomAD compares: South Asian, 0.11%; 1 homozygote.

Submissions (4):

PreventionGenetics, part of Exact Sciences
Classification: Likely benign for IFT172-related condition. Last evaluated: 2025-06-09. Review status: criteria provided, single submitter. Criteria: ACMG Guidelines, 2015. Collection method: clinical testing. Allele origin: germline.
Comment: This variant is classified as likely benign based on ACMG/AMP sequence variant interpretation guidelines (Richards et al. 2015 PMID: 25741868, with internal and published modifications).

Labcorp Genetics (formerly Invitae), Labcorp
Classification: Likely benign for Retinitis pigmentosa 71; Short-rib thoracic dysplasia 10 with or without polydactyly. Last evaluated: 2025-03-16. Review status: criteria provided, single submitter. Criteria: Invitae Variant Classification Sherloc (09022015). Collection method: clinical testing. Allele origin: germline.

Blueprint Genetics
Classification: Benign. Last evaluated: 2024-03-28. Review status: criteria provided, single submitter. Criteria: ACMG Guidelines, 2015. Collection method: clinical testing. Allele origin: germline.

Fulgent Genetics
Classification: Likely benign for Short-rib thoracic dysplasia 10 with or without polydactyly; Retinitis pigmentosa 71; Bardet-Biedl syndrome 20. Last evaluated: 2022-03-30. Review status: criteria provided, single submitter. Criteria: ACMG Guidelines, 2015. Collection method: clinical testing. Allele origin: unknown.

NM_015662.3(IFT172):c.4014A>G (p.Val1338=)

Gene: IFT172 (intraflagellar transport 172; minus strand). Cytogenetic location: 2p23.3.
Variant type: single nucleotide variant.
Coding change: c.4014A>G on transcript NM_015662.3 (MANE Select); coding-DNA position 4014, A replaced by G.
Protein change: p.Val1338=; no amino-acid change (valine 1338 retained).
Molecular consequence: synonymous variant.
Genome position (GRCh38, 1-based): chr2:27,450,034, T>C on the plus strand (A>G on the coding strand, the complement: IFT172 is on the minus strand). VCF-style: chr2-27450034-T-C. GRCh37 (hg19) VCF-style: chr2-27672901-T-C.
Other names: c.4014A>G (NM_015662.2).
Identifiers: ClinVar variation 1671940 (VCV001671940.11), dbSNP rs527544045, ClinGen allele CA1579761.